The following is an entry in ClinVar:

ClinVar aggregate classification (germline): Uncertain significance (1 of 4 stars; one submission).

Conditions:
Hereditary cancer-predisposing syndrome. Also called: Neoplastic Syndromes, Hereditary; Tumor predisposition; Hereditary Cancer Syndrome; Hereditary neoplastic syndrome. Identifiers: Orphanet 140162, MedGen C0027672, MeSH D009386, MONDO:0015356.

Submission:

Ambry Genetics
Classification: Uncertain significance for Hereditary cancer-predisposing syndrome. Last evaluated: 2026-04-24. Review status: criteria provided, single submitter. Criteria: Ambry Variant Classification Scheme 2023. Collection method: clinical testing. Allele origin: germline.
Comment: The p.L355Q variant (also known as c.1064T>A), located in coding exon 4 of the ALK gene, results from a T to A substitution at nucleotide position 1064. The leucine at codon 355 is replaced by glutamine, an amino acid with dissimilar properties. This amino acid position is conserved. In addition, this alteration is predicted to be tolerated by in silico analysis. Based on the available evidence, the clinical significance of this variant remains unclear.

NM_004304.5(ALK):c.1064T>A (p.Leu355Gln)

Gene: ALK (ALK receptor tyrosine kinase; minus strand). Cytogenetic location: 2p23.2.
Variant type: single nucleotide variant.
Coding change: c.1064T>A on transcript NM_004304.5 (MANE Select); coding-DNA position 1064, T replaced by A.
Protein change: p.Leu355Gln; replaces leucine 355 with glutamine.
Molecular consequence: missense variant.
Genome position (GRCh38, 1-based): chr2:29,532,005, A>T on the plus strand (T>A on the coding strand, the complement: ALK is on the minus strand). VCF-style: chr2-29532005-A-T. GRCh37 (hg19) VCF-style: chr2-29754871-A-T.
Other names: short protein forms L355Q.
Identifiers: ClinVar variation 4870141 (VCV004870141.1).
Genomic context (GRCh38, chr2:29,532,005, plus strand): 5'-ATCTCTCTTGCAGCCTCGTTGTGGGGCAGCAGCTGGGCAATGTACCTTCCAGAGGGCTGC[A>T]GGTGCCTGTGCACCGAGACGGCCAGTGTGCAGTGCTCACTGCTGCTCCTCATCCACGGAC-3'
Protein context (NP_004295.2, residues 345-365): CTLAVSVHRH[Leu355Gln]QPSGRYIAQL